The following is an entry in ClinVar:

NM_014363.6(SACS):c.4744G>A (p.Asp1582Asn)

Gene: SACS (sacsin molecular chaperone; minus strand). Cytogenetic location: 13q12.12.
Variant type: single nucleotide variant.
Coding change: c.4744G>A on transcript NM_014363.6 (MANE Select); coding-DNA position 4744, G replaced by A.
Protein change: p.Asp1582Asn; replaces aspartic acid 1582 with asparagine.
Molecular consequence: missense variant.
Genome position (GRCh38, 1-based): chr13:23,339,132, C>T on the plus strand (G>A on the coding strand, the complement: SACS is on the minus strand). VCF-style: chr13-23339132-C-T. GRCh37 (hg19) VCF-style: chr13-23913271-C-T.
Other names: c.4303G>A, p.Asp1435Asn (NM_001278055.2); short protein forms D1582N, D1435N.
Identifiers: ClinVar variation 458265 (VCV000458265.23), dbSNP rs1160357920, ClinGen allele CA387527870.

ClinVar aggregate classification (germline): Pathogenic/Likely pathogenic. Review status: criteria provided, multiple submitters, no conflicts (2 of 4 stars). 10 submissions from 10 submitters: Pathogenic (8); Likely pathogenic (1). 1 of the submissions does not count toward it. Last evaluated 2025-01-29.

Conditions:
Spastic paraplegia. Identifiers: MedGen C0037772, HP:0001258.
Hereditary spastic paraplegia. Also called: Familial spastic paraparesis. Identifiers: Orphanet 685, MedGen C0037773, MONDO:0019064. Disease mechanism: loss of function.
Charlevoix-Saguenay spastic ataxia (SACS). Also called: SPASTIC ATAXIA 6, AUTOSOMAL RECESSIVE; AUTOSOMAL RECESSIVE SPASTIC ATAXIA OF CHARLEVOIX-SAGUENAY; Spastic ataxia of Charlevoix-Saguenay. Identifiers: Orphanet 98, MedGen C1849140, MONDO:0010041, OMIM 270550.

Allele frequency attached by ClinVar (database versions not stated): gnomAD 0.00001; TOPMed 0.00002.

Submissions (10):

Natera, Inc.
Classification: Pathogenic for Charlevoix-Saguenay type spastic ataxia. Last evaluated: 2025-01-29. Review status: criteria provided, single submitter. Criteria: Natera Variant Classification Schema (03/2026). Collection method: clinical testing. Allele origin: germline.
Comment: The c.4744G>A variant in SACS is a missense variant predicted to cause substitution of aspartic acid to asparagine at amino acid 1582. This variant is rare in the general population with a frequency below the threshold expected for the associated phenotype(s). This variant has been observed in one or more individuals affected with the associated recessive disease, as either homozygous or compound heterozygous with a second variant (PMID: 30460542, 23250129, 32991389). Additionally, this variant has been observed to segregate in affected family members (PMID: 30460542). Computational prediction algorithms indicate this variant is likely to affect gene or protein function. Given the available evidence, this variant is classified as Pathogenic.

Baylor Genetics
Classification: Pathogenic for Charlevoix-Saguenay spastic ataxia. Last evaluated: 2024-03-27. Review status: criteria provided, single submitter. Criteria: ACMG Guidelines, 2015. Collection method: clinical testing. Allele origin: unknown.

Labcorp Genetics (formerly Invitae), Labcorp
Classification: Pathogenic for Spastic paraplegia. Last evaluated: 2023-01-23. Review status: criteria provided, single submitter. Criteria: Invitae Variant Classification Sherloc (09022015). Collection method: clinical testing. Allele origin: germline.
Comment: ClinVar contains an entry for this variant (Variation ID: 458265). For these reasons, this variant has been classified as Pathogenic. Studies have shown that this missense change alters SACS gene expression (PMID: 23250129). Advanced modeling of protein sequence and biophysical properties (such as structural, functional, and spatial information, amino acid conservation, physicochemical variation, residue mobility, and thermodynamic stability) has been performed at Invitae for this missense variant, however the output from this modeling did not meet the statistical confidence thresholds required to predict the impact of this variant on SACS protein function. This missense change has been observed in individuals with autosomal recessive spastic ataxia of Charlevoix-Saguenay (PMID: 23250129). This variant is not present in population databases (gnomAD no frequency). This sequence change replaces aspartic acid, which is acidic and polar, with asparagine, which is neutral and polar, at codon 1582 of the SACS protein (p.Asp1582Asn).

Women's Health and Genetics/Laboratory Corporation of America, LabCorp
Classification: Pathogenic for Charlevoix-Saguenay spastic ataxia. Last evaluated: 2022-04-29. Review status: criteria provided, single submitter. Criteria: LabCorp Variant Classification Summary - May 2015. Collection method: clinical testing. Allele origin: germline.
Comment: Variant summary: SACS c.4744G>A (p.Asp1582Asn) results in a conservative amino acid change in the encoded protein sequence. Four of five in-silico tools predict a damaging effect of the variant on protein function. The variant allele was found at a frequency of 6.6e-06 in 150864 control chromosomes (gnomAD v3.1, genomes dataset). The variant, c.4744G>A, has been reported in the literature in multiple compound heterozygous individuals affected with typical Autosomal Recessive Spastic Ataxia of Charlevoix-Saguenay (ARSACS), who carried the French-Canadian founder mutation (c.8844delT (p.Ile2949PhefsX4)) in trans (Thiffault_2013, Briand_2019). Western blot analysis of lymphoblast samples from one of these patients demonstrated a severe decrease in sacsin protein amount (Thiffault_2013). In addition, the variant was also reported in homozygous form in two siblings who were diagnosed with isolated (non-syndromic) motor and sensory neuropathy (Vill_2018). These data indicate that the variant is very likely to be associated with disease. Six clinical diagnostic laboratories have submitted clinical-significance assessments for this variant to ClinVar after 2014, and all laboratories classified the variant as pathogenic/likely pathogenic. Based on the evidence outlined above, the variant was classified as pathogenic.

PROSPAX: an integrated multimodal progression  chart in spastic ataxias, Center for Neurology; Hertie-Institute for Clinical Brain Research
Classification: Pathogenic for Charlevoix-Saguenay spastic ataxia. Last evaluated: 2022-01-01. Review status: criteria provided, single submitter. Criteria: ACMG Guidelines, 2015. Collection method: research. Allele origin: germline. Affected: yes. Observed: 7 variant alleles, 7 compound heterozygotes.

Genome-Nilou Lab
Classification: Pathogenic for Charlevoix-Saguenay spastic ataxia. Last evaluated: 2021-09-05. Review status: criteria provided, single submitter. Criteria: ACMG Guidelines, 2015. Collection method: clinical testing. Allele origin: germline. Affected: no.

Fulgent Genetics
Classification: Pathogenic for Charlevoix-Saguenay spastic ataxia. Last evaluated: 2018-10-31. Review status: criteria provided, single submitter. Criteria: ACMG Guidelines, 2015. Collection method: clinical testing. Allele origin: unknown.

Institute of Human Genetics Munich, TUM University Hospital
Classification: Likely pathogenic for Charlevoix-Saguenay spastic ataxia. Last evaluated: 2017-11-08. Review status: criteria provided, single submitter. Criteria: Classification criteria August 2017. Collection method: clinical testing. Allele origin: inherited. Inheritance: Autosomal recessive inheritance. Affected: yes. Observed: 1 homozygote.

Genome Diagnostics Laboratory, The Hospital for Sick Children
Classification: Pathogenic for Hereditary spastic paraplegia. Last evaluated: 2016-12-12. Review status: criteria provided, single submitter. Criteria: ACMG Guidelines, 2015. Collection method: clinical testing. Allele origin: germline. Affected: yes.

Counsyl
Classification: Likely pathogenic for Charlevoix-Saguenay spastic ataxia. Last evaluated: 2017-10-04. Review status: no assertion criteria provided. Collection method: clinical testing. Allele origin: unknown. Not counted in ClinVar's aggregate classification.

Literature cited by the submitters: PubMed 30460542 (cited by Natera, Inc. and Women's Health and Genetics/Laboratory Corporation of America, LabCorp); PubMed 23250129 (cited by 4 submitters); PubMed 32991389 (cited by Natera, Inc.); PubMed 30901567 (cited by Women's Health and Genetics/Laboratory Corporation of America, LabCorp); PubMed 28641335 (cited by Counsyl).